The following is an entry in ClinVar:

NC_000023.10:g.(?_18525053)_(18662765_?)del

Genes: CDKL5 (cyclin dependent kinase like 5; plus strand), RS1 (retinoschisin 1; minus strand). Cytogenetic location: Xp22.13.
Variant type: Deletion.
Identifiers: ClinVar variation 3244282 (VCV003244282.1).

ClinVar aggregate classification (germline): Pathogenic (1 of 4 stars; one submission).

Conditions:
Angelman syndrome-like. Identifiers: MedGen CN128785.
Developmental and epileptic encephalopathy, 2 (DEE2). Also called: INFANTILE SPASM SYNDROME, X-LINKED 2; CDKL5 deficiency disorder. Identifiers: Orphanet 1934, Orphanet 3451, Orphanet 505652, MedGen C4750718, MONDO:0010396, OMIM 300672.

Submission:

Labcorp Genetics (formerly Invitae), Labcorp
Classification: Pathogenic for Developmental and epileptic encephalopathy, 2; Angelman syndrome-like. Last evaluated: 2023-02-02. Review status: criteria provided, single submitter. Criteria: Invitae Variant Classification Sherloc (09022015). Collection method: clinical testing. Allele origin: unknown.
Comment: For these reasons, this variant has been classified as Pathogenic. This variant has not been reported in the literature in individuals affected with CDKL5-related conditions. This variant is a gross deletion of the genomic region encompassing exon(s) 2-18 of the CDKL5 gene, which includes the initiator codon. This deletion extends beyond the assayed region for this gene and therefore may encompass additional genes. It is expected to result in an absent or disrupted protein product. Loss-of-function variants in CDKL5 are known to be pathogenic (PMID: 22872100).

Literature cited by the submitters: PubMed 22872100.